The following is an entry in ClinVar:

NM_001378120.1(MBD5):c.1638C>T (p.Ala546=)

Gene: MBD5 (methyl-CpG binding domain protein 5; plus strand). Cytogenetic location: 2q23.1.
Variant type: single nucleotide variant.
Coding change: c.1638C>T on transcript NM_001378120.1 (MANE Select); coding-DNA position 1638, C replaced by T.
Protein change: p.Ala546=; no amino-acid change (alanine 546 retained).
Molecular consequence: synonymous variant.
Genome position (GRCh38, 1-based): chr2:148,469,581, C>T. VCF-style: chr2-148469581-C-T. GRCh37 (hg19) VCF-style: chr2-149227150-C-T.
Other names: p.A546A:GCC>GCT; c.1638C>T, p.Ala546= (NM_018328.5).
Identifiers: ClinVar variation 199151 (VCV000199151.59), dbSNP rs116413446, ClinGen allele CA303082.

ClinVar aggregate classification (germline): Benign/Likely benign. Review status: criteria provided, multiple submitters, no conflicts (2 of 4 stars). 11 submissions from 11 submitters: Benign (6); Likely benign (3). 2 of the submissions do not count toward it. Last evaluated 2026-08-01.

Conditions:
Inborn genetic diseases. Identifiers: MedGen C0950123, MeSH D030342.
Intellectual developmental disorder, autosomal dominant 1. Also called: MBD5 Haploinsufficiency; Intellectual disability, autosomal dominant 1. Identifiers: Orphanet 228402, MedGen C1969562, MONDO:0007974, OMIM 156200.

Allele frequency attached by ClinVar (database versions not stated): 1000 Genomes Project 0.00140; 1000 Genomes Project 30x 0.00141; TOPMed 0.00215; ESP Exome Variant Server 0.00284; gnomAD 0.00316 and 0.00337; gnomAD exomes 0.00391 and 0.00403; ExAC 0.00461.
gnomAD v4.1: 6,160 of 1,613,786 alleles (0.38%); highest among the groups gnomAD compares: Non-Finnish European, 0.42%; 24 homozygotes.

Submissions (11):

CeGaT Center for Human Genetics Tuebingen
Classification: Benign. Last evaluated: 2026-08-01. Review status: criteria provided, single submitter. Criteria: CeGaT Center For Human Genetics Tuebingen Variant Classification Criteria Version 2. Collection method: clinical testing. Allele origin: germline. Affected: yes. Observed: 26 variant alleles.
Comment: MBD5: BP4, BP7, BS1, BS2

Labcorp Genetics (formerly Invitae), Labcorp
Classification: Benign for Intellectual developmental disorder, autosomal dominant 1. Last evaluated: 2026-02-02. Review status: criteria provided, single submitter. Criteria: Invitae Variant Classification Sherloc (09022015). Collection method: clinical testing. Allele origin: germline.

Blueprint Genetics
Classification: Likely benign. Last evaluated: 2024-11-21. Review status: criteria provided, single submitter. Criteria: ACMG Guidelines, 2015. Collection method: clinical testing. Allele origin: germline.

ARUP Laboratories, Molecular Genetics and Genomics, ARUP Laboratories
Classification: Benign for Intellectual developmental disorder, autosomal dominant 1. Last evaluated: 2024-03-26. Review status: criteria provided, single submitter. Criteria: ARUP Molecular Germline Variant Investigation Process 2024. Collection method: clinical testing. Allele origin: germline.

Ambry Genetics
Classification: Benign for Inborn genetic diseases. Last evaluated: 2016-11-22. Review status: criteria provided, single submitter. Criteria: Ambry Variant Classification Scheme 2023. Collection method: clinical testing. Allele origin: germline.

Genetic Services Laboratory, University of Chicago
Classification: Likely benign. Last evaluated: 2015-05-29. Review status: criteria provided, single submitter. Criteria: ACMG Guidelines, 2015. Collection method: clinical testing. Allele origin: germline.

GeneDx
Classification: Benign. Last evaluated: 2014-08-15. Review status: criteria provided, single submitter. Criteria: GeneDx Variant Classification (06012015). Collection method: clinical testing. Allele origin: germline. Affected: yes.
Comment: This variant is considered likely benign or benign based on one or more of the following criteria: it is a conservative change, it occurs at a poorly conserved position in the protein, it is predicted to be benign by multiple in silico algorithms, and/or has population frequency not consistent with disease.

Eurofins Ntd Llc (ga)
Classification: Benign. Last evaluated: 2014-06-12. Review status: criteria provided, single submitter. Criteria: EGL Classification Definitions 2015. Collection method: clinical testing. Allele origin: germline.

Breakthrough Genomics
Classification: Likely benign. Review status: criteria provided, single submitter. Criteria: ACMG Guidelines, 2015. Collection method: not provided. Allele origin: germline. Inheritance: Autosomal dominant inheritance. Affected: yes.

Clinical Genetics DNA and cytogenetics Diagnostics Lab, Erasmus MC, Erasmus Medical Center
Classification: Likely benign. Review status: no assertion criteria provided. Collection method: clinical testing. Allele origin: germline. Affected: yes. Study: VKGL Data-share Consensus. Not counted in ClinVar's aggregate classification.

Diagnostic Laboratory, Department of Genetics, University Medical Center Groningen
Classification: Likely benign. Review status: no assertion criteria provided. Collection method: clinical testing. Allele origin: germline. Affected: yes. Study: VKGL Data-share Consensus. Not counted in ClinVar's aggregate classification.